The following is an entry in ClinVar:

ClinVar aggregate classification (germline): Uncertain significance (1 of 4 stars; one submission).

gnomAD v4.1: 2 of 1,614,068 alleles (0.00012%); highest among the groups gnomAD compares: Admixed American, 0.0033%; no homozygotes.

Submission:

GeneDx
Classification: Uncertain significance. Last evaluated: 2024-12-03. Review status: criteria provided, single submitter. Criteria: GeneDx Variant Classification Process June 2021. Collection method: clinical testing. Allele origin: germline. Affected: yes.
Comment: Has not been previously published as pathogenic or benign to our knowledge; Not observed at significant frequency in large population cohorts (gnomAD); In silico analysis indicates that this missense variant does not alter protein structure/function; Located in exon 38, which is reported as being expressed in a brain-specific transcript (PMID: 1830053, 18790697, 26109584); This variant is associated with the following publications: (PMID: 1830053, 18790697, 26109584)

NM_001148.6(ANK2):c.8349C>A (p.Ser2783Arg)

Gene: ANK2 (ankyrin 2; plus strand). Cytogenetic location: 4q26.
Variant type: single nucleotide variant.
Coding change: c.8349C>A on transcript NM_001148.6 (MANE Select); coding-DNA position 8349, C replaced by A.
Protein change: p.Ser2783Arg; replaces serine 2783 with arginine.
Molecular consequence: missense variant. On other transcripts: intron variant (68).
Genome position (GRCh38, 1-based): chr4:113,356,967, C>A. VCF-style: chr4-113356967-C-A. GRCh37 (hg19) VCF-style: chr4-114278123-C-A.
Other names: c.8115C>A, p.Ser2705Arg (NM_001386142.1); c.4749C>A, p.Ser1583Arg (NM_001386166.1); c.8490C>A, p.Ser2830Arg (NM_001386174.1); c.8466C>A, p.Ser2822Arg (NM_001386175.1); c.4412-3856C>A (NM_001386186.2, NM_001386148.2); c.4214-3856C>A (NM_001354269.3); c.4292-3856C>A (NM_001386187.2); c.4253-3856C>A (NM_001386147.1); and 35 more; short protein forms S1583R, S2705R, S2783R, S2822R, S2830R.
Identifiers: ClinVar variation 3901706 (VCV003901706.1).